The following is an entry in ClinVar:

NM_021224.6(ZNF462):c.6627T>C (p.His2209=)

Gene: ZNF462 (zinc finger protein 462; plus strand). Cytogenetic location: 9q31.2.
Variant type: single nucleotide variant.
Coding change: c.6627T>C on transcript NM_021224.6 (MANE Select); coding-DNA position 6627, T replaced by C.
Protein change: p.His2209=; no amino-acid change (histidine 2209 retained).
Molecular consequence: synonymous variant.
Genome position (GRCh38, 1-based): chr9:106,972,204, T>C. VCF-style: chr9-106972204-T-C. GRCh37 (hg19) VCF-style: chr9-109734485-T-C.
Other names: c.4032T>C, p.His1344= (NM_001347997.2).
Identifiers: ClinVar variation 2659399 (VCV002659399.24), dbSNP rs2539272384, ClinGen allele CA466384003.
Genomic context (GRCh38, chr9:106,972,204, plus strand): 5'-CGTGCTTCACTGCGAATTCTGTGAATTCTCCTCCGGCTACATCCAGAGCATCAGGCGTCA[T>C]TACCGGGACAAGCATGGTGGGAAGAAGCTTTTCAAGTGCAAAGACTGCTCCTTTTACACA-3'
Protein context (NP_067047.4, residues 2199-2219): SSGYIQSIRR[His2209=]YRDKHGGKKL

ClinVar aggregate classification (germline): Likely benign (1 of 4 stars; one submission).

Allele frequency attached by ClinVar (database versions not stated): gnomAD exomes below 0.00001.
gnomAD v4.1: 1 of 1,614,210 alleles (0.000062%); highest among the groups gnomAD compares: Non-Finnish European, 0.000085%; no homozygotes.

Submission:

CeGaT Center for Human Genetics Tuebingen
Classification: Likely benign. Last evaluated: 2022-09-01. Review status: criteria provided, single submitter. Criteria: CeGaT Center For Human Genetics Tuebingen Variant Classification Criteria Version 2. Collection method: clinical testing. Allele origin: germline. Affected: yes. Observed: 1 variant allele.
Comment: ZNF462: PM2:Supporting, BP4, BP7